The following is an entry in ClinVar:

NM_001966.4(EHHADH):c.1603A>G (p.Lys535Glu)

Gene: EHHADH (enoyl-CoA hydratase and 3-hydroxyacyl CoA dehydrogenase; minus strand). Cytogenetic location: 3q27.2.
Variant type: single nucleotide variant.
Coding change: c.1603A>G on transcript NM_001966.4 (MANE Select); coding-DNA position 1603, A replaced by G.
Protein change: p.Lys535Glu; replaces lysine 535 with glutamic acid.
Molecular consequence: missense variant.
Genome position (GRCh38, 1-based): chr3:185,192,795, T>C on the plus strand (A>G on the coding strand, the complement: EHHADH is on the minus strand). VCF-style: chr3-185192795-T-C. GRCh37 (hg19) VCF-style: chr3-184910583-T-C.
Other names: c.1315A>G, p.Lys439Glu (NM_001166415.2); short protein forms K439E, K535E.
Identifiers: ClinVar variation 2385527 (VCV002385527.19), dbSNP rs189571036, ClinGen allele CA2738948.

ClinVar aggregate classification (germline): Conflicting classifications of pathogenicity. Review status: criteria provided, conflicting classifications (1 of 4 stars). 2 submissions from 2 submitters: Uncertain significance (1); Likely benign (1). Last evaluated 2024-07-01.

Allele frequency attached by ClinVar (database versions not stated): gnomAD 0.00003; 1000 Genomes Project 30x 0.00016; 1000 Genomes Project 0.00020; ExAC 0.00001; gnomAD exomes 0.00002; TOPMed 0.00002.
gnomAD v4.1: 28 of 1,614,126 alleles (0.0017%); highest among the groups gnomAD compares: Non-Finnish European, 0.0022%; no homozygotes.

Submissions (2):

CeGaT Center for Human Genetics Tuebingen
Classification: Likely benign. Last evaluated: 2024-07-01. Review status: criteria provided, single submitter. Criteria: CeGaT Center For Human Genetics Tuebingen Variant Classification Criteria Version 2. Collection method: clinical testing. Allele origin: germline. Affected: yes. Observed: 1 variant allele.
Comment: EHHADH: BP4

Ambry Genetics
Classification: Uncertain significance. Last evaluated: 2021-10-20. Review status: criteria provided, single submitter. Criteria: Ambry Variant Classification Scheme 2023. Collection method: clinical testing. Allele origin: germline.